The following is an entry in ClinVar:

ClinVar aggregate classification (germline): Uncertain significance (1 of 4 stars; one submission).

Conditions:
KBG syndrome (KBGS). Also called: ANKRD11-Related KBG Syndrome. Identifiers: Orphanet 2332, MedGen C0220687, MONDO:0007846, OMIM 148050.

Submission:

Labcorp Genetics (formerly Invitae), Labcorp
Classification: Uncertain significance for KBG syndrome. Last evaluated: 2023-02-09. Review status: criteria provided, single submitter. Criteria: Invitae Variant Classification Sherloc (09022015). Collection method: clinical testing. Allele origin: germline.
Comment: This sequence change replaces alanine, which is neutral and non-polar, with aspartic acid, which is acidic and polar, at codon 2148 of the ANKRD11 protein (p.Ala2148Asp). This variant is not present in population databases (gnomAD no frequency). This variant has not been reported in the literature in individuals affected with ANKRD11-related conditions. Advanced modeling of protein sequence and biophysical properties (such as structural, functional, and spatial information, amino acid conservation, physicochemical variation, residue mobility, and thermodynamic stability) performed at Invitae indicates that this missense variant is not expected to disrupt ANKRD11 protein function. In summary, the available evidence is currently insufficient to determine the role of this variant in disease. Therefore, it has been classified as a Variant of Uncertain Significance.

NM_013275.6(ANKRD11):c.6443C>A (p.Ala2148Asp)

Gene: ANKRD11 (ankyrin repeat domain 11; minus strand). Cytogenetic location: 16q24.3.
Variant type: single nucleotide variant.
Coding change: c.6443C>A on transcript NM_013275.6 (MANE Select); coding-DNA position 6443, C replaced by A.
Protein change: p.Ala2148Asp; replaces alanine 2148 with aspartic acid.
Molecular consequence: missense variant.
Genome position (GRCh38, 1-based): chr16:89,280,099, G>T on the plus strand (C>A on the coding strand, the complement: ANKRD11 is on the minus strand). VCF-style: chr16-89280099-G-T. GRCh37 (hg19) VCF-style: chr16-89346507-G-T.
Other names: c.6443C>A, p.Ala2148Asp (NM_001256182.2, NM_001256183.2); short protein forms A2148D.
Identifiers: ClinVar variation 2823811 (VCV002823811.3), dbSNP rs768676589, ClinGen allele CA397151143.
Genomic context (GRCh38, chr16:89,280,099, plus strand): 5'-GGAGGCATCTCTTCTGGAGGAGCAAGACTTTCTTCCACGGGTTCCGCTTCACCATCTGCG[G>T]CATCTTTAGTCTGCAGGGGAAGCTCCGGCAGGGAGAAGGGCCCCAGGTCCAGGTCGTCCT-3'
Protein context (NP_037407.4, residues 2138-2158): LPELPLQTKD[Ala2148Asp]ADGEAEPVEE